The following is an entry in ClinVar:

NM_024312.5(GNPTAB):c.-145G>A

Genes: GNPTAB (N-acetylglucosamine-1-phosphate transferase subunits alpha and beta; minus strand), LOC130008555 (ATAC-STARR-seq lymphoblastoid silent region 4771; plus strand). Cytogenetic location: 12q23.2.
Variant type: single nucleotide variant.
Coding change: c.-145G>A on transcript NM_024312.5 (MANE Select); 145 bases upstream of the start codon, G replaced by A.
Molecular consequence: 5 prime UTR variant.
Genome position (GRCh38, 1-based): chr12:101,830,820, C>T on the plus strand (G>A on the coding strand, the complement: GNPTAB is on the minus strand). VCF-style: chr12-101830820-C-T. GRCh37 (hg19) VCF-style: chr12-102224598-C-T.
Identifiers: ClinVar variation 306825 (VCV000306825.5), dbSNP rs544455347, ClinGen allele CA10636185.
Genomic context (GRCh38, chr12:101,830,820, plus strand): 5'-CCCCGGTCGGGCCGCCGCGCGCAGGTCACAGCCTCCGGGCGCCGCTCATTGCAGCTCCGG[C>T]GACGGACGCCCGCTCGGCTCCGCGCCGCGGCCGCCGCTTCCGGGAGCCGGGAGCCCACGC-3'

ClinVar aggregate classification (germline): Benign. Review status: criteria provided, single submitter (1 of 4 stars). 2 submissions from 1 submitter: Benign (2). Last evaluated 2018-01-13.

Conditions:
Mucolipidosis type II. Also called: Mucolipidosis II Alpha/Beta; ML II ALPHA/BETA; Mucolipidosis 2; ML 2; Inclusion cell disease; Leroy Disease. Identifiers: Orphanet 576, MedGen C2673377, MONDO:0009650, OMIM 252500.
Pseudo-Hurler polydystrophy. Also called: MUCOLIPIDOSIS IIIA; ML IIIA; Mucolipidosis III Alpha/Beta; ML III; ML III ALPHA/BETA; Type III Mucolipidosis. Identifiers: Orphanet 423461, Orphanet 577, MedGen C0033788, MONDO:0018931, OMIM 252600.

Allele frequency attached by ClinVar (database versions not stated): gnomAD 0.01159 and 0.01236; gnomAD exomes 0.00107; TOPMed 0.01289; 1000 Genomes Project 30x 0.01421; 1000 Genomes Project 0.01358.

Submissions (2):

Illumina Laboratory Services, Illumina
Classification: Benign for Pseudo-Hurler polydystrophy. Last evaluated: 2018-01-13. Review status: criteria provided, single submitter. Criteria: ICSL Variant Classification Criteria 13 December 2019. Collection method: clinical testing. Allele origin: germline.
Comment: This variant was observed in the ICSL laboratory as part of a predisposition screen in an ostensibly healthy population. It had not been previously curated by ICSL or reported in the Human Gene Mutation Database (HGMD: prior to June 1st, 2018), and was therefore a candidate for classification through an automated scoring system. Utilizing variant allele frequency, disease prevalence and penetrance estimates, and inheritance mode, an automated score was calculated to assess if this variant is too frequent to cause the disease. Based on the score and internal cut-off values, a variant classified as benign is not then subjected to further curation. The score for this variant resulted in a classification of benign for this disease.

Illumina Laboratory Services, Illumina
Classification: Benign for Mucolipidosis type II. Last evaluated: 2018-01-13. Review status: criteria provided, single submitter. Criteria: ICSL Variant Classification Criteria 13 December 2019. Collection method: clinical testing. Allele origin: germline.
Comment: the same text as in the submission from Illumina Laboratory Services, Illumina above.